The following is an entry in ClinVar:

ClinVar aggregate classification (germline): Uncertain significance. Review status: criteria provided, multiple submitters, no conflicts (2 of 4 stars). 2 submissions from 2 submitters: Uncertain significance (2). Last evaluated 2026-04-01.

Conditions:
Inborn genetic diseases. Identifiers: MedGen C0950123, MeSH D030342.
Fanconi anemia (FA). Also called: Fanconi's anemia. Identifiers: Orphanet 84, MedGen C0015625, MeSH D005199, MONDO:0019391.

Allele frequency attached by ClinVar (database versions not stated): gnomAD 0.00001; gnomAD exomes 0.00001; 1000 Genomes Project 30x 0.00016; 1000 Genomes Project 0.00020; TOPMed below 0.00001; ExAC 0.00002.
gnomAD v4.1: 14 of 1,613,400 alleles (0.00087%); highest among the groups gnomAD compares: Middle Eastern, 0.016%; no homozygotes.

Submissions (2):

Ambry Genetics
Classification: Uncertain significance for Inborn genetic diseases. Last evaluated: 2026-04-01. Review status: criteria provided, single submitter. Criteria: Ambry Variant Classification Scheme 2023. Collection method: clinical testing. Allele origin: germline.
Comment: The c.3847G>A (p.A1283T) alteration is located in exon 12 (coding exon 11) of the SLX4 gene. This alteration results from a G to A substitution at nucleotide position 3847, causing the alanine (A) at amino acid position 1283 to be replaced by a threonine (T). Based on data from gnomAD, the A allele has an overall frequency of <0.001% (1/250608) total alleles studied. The highest observed frequency was 0.003% (1/30604) of South Asian alleles. Based on insufficient or conflicting evidence, the clinical significance of this alteration remains unclear.

Labcorp Genetics (formerly Invitae), Labcorp
Classification: Uncertain significance for Fanconi anemia. Last evaluated: 2025-02-12. Review status: criteria provided, single submitter. Criteria: Invitae Variant Classification Sherloc (09022015). Collection method: clinical testing. Allele origin: germline.
Comment: This sequence change replaces alanine, which is neutral and non-polar, with threonine, which is neutral and polar, at codon 1283 of the SLX4 protein (p.Ala1283Thr). This variant is present in population databases (rs574928535, gnomAD 0.003%). This variant has not been reported in the literature in individuals affected with SLX4-related conditions. ClinVar contains an entry for this variant (Variation ID: 3166198). An algorithm developed to predict the effect of missense changes on protein structure and function (PolyPhen-2) suggests that this variant is likely to be tolerated. In summary, the available evidence is currently insufficient to determine the role of this variant in disease. Therefore, it has been classified as a Variant of Uncertain Significance.

NM_032444.4(SLX4):c.3847G>A (p.Ala1283Thr)

Gene: SLX4 (SLX4 structure-specific endonuclease subunit; minus strand). Cytogenetic location: 16p13.3.
Variant type: single nucleotide variant.
Coding change: c.3847G>A on transcript NM_032444.4 (MANE Select); coding-DNA position 3847, G replaced by A.
Protein change: p.Ala1283Thr; replaces alanine 1283 with threonine.
Molecular consequence: missense variant.
Genome position (GRCh38, 1-based): chr16:3,589,791, C>T on the plus strand (G>A on the coding strand, the complement: SLX4 is on the minus strand). VCF-style: chr16-3589791-C-T. GRCh37 (hg19) VCF-style: chr16-3639792-C-T.
Other names: short protein forms A1283T.
Identifiers: ClinVar variation 3166198 (VCV003166198.3), dbSNP rs574928535, ClinGen allele CA7865815.